The following is an entry in ClinVar:

NM_000228.3(LAMB3):c.2137+2T>A

Gene: LAMB3 (laminin subunit beta 3; minus strand). Cytogenetic location: 1q32.2.
Variant type: single nucleotide variant.
Coding change: c.2137+2T>A on transcript NM_000228.3 (MANE Select); the canonical splice donor site of the intron after coding-DNA position 2137, T replaced by A.
Molecular consequence: splice donor variant.
Genome position (GRCh38, 1-based): chr1:209,623,838, A>T on the plus strand (T>A on the coding strand, the complement: LAMB3 is on the minus strand). VCF-style: chr1-209623838-A-T. GRCh37 (hg19) VCF-style: chr1-209797183-A-T.
Other names: c.2137+2T>A (NM_001127641.1, NM_001017402.2).
Identifiers: ClinVar variation 2738904 (VCV002738904.3), dbSNP rs2464800376, ClinGen allele CA344588646.
Genomic context (GRCh38, chr1:209,623,838, plus strand): 5'-GGGTGGCATGCCCACCACGGCAGTGCCCATGCCCGGGGTTATCCGGGTGCCCCTCTCCTC[A>T]CCTGAAGGATCAGCACTGCTTATTTTTTCAAACTGCTCCCTCTTCCTCTGATACATAGTA-3'

ClinVar aggregate classification (germline): Likely pathogenic (1 of 4 stars; one submission).

gnomAD v4.1: 2 of 1,614,148 alleles (0.00012%); highest among the groups gnomAD compares: Non-Finnish European, 0.00017%; no homozygotes.

Submission:

Labcorp Genetics (formerly Invitae), Labcorp
Classification: Likely pathogenic. Last evaluated: 2023-07-08. Review status: criteria provided, single submitter. Criteria: Invitae Variant Classification Sherloc (09022015). Collection method: clinical testing. Allele origin: germline.
Comment: In summary, the currently available evidence indicates that the variant is pathogenic, but additional data are needed to prove that conclusively. Therefore, this variant has been classified as Likely Pathogenic. Algorithms developed to predict the effect of sequence changes on RNA splicing suggest that this variant may disrupt the consensus splice site. This variant has not been reported in the literature in individuals affected with LAMB3-related conditions. This variant is not present in population databases (gnomAD no frequency). This sequence change affects a donor splice site in intron 15 of the LAMB3 gene. It is expected to disrupt RNA splicing. Variants that disrupt the donor or acceptor splice site typically lead to a loss of protein function (PMID: 16199547), and loss-of-function variants in LAMB3 are known to be pathogenic (PMID: 11023379, 16473856).

Literature cited by the submitters: PubMed 16199547; PubMed 11023379; PubMed 16473856.